The following is an entry in ClinVar:

NM_001457.4(FLNB):c.4411G>T (p.Val1471Leu)

Gene: FLNB (filamin B; plus strand). Cytogenetic location: 3p14.3.
Variant type: single nucleotide variant.
Coding change: c.4411G>T on transcript NM_001457.4 (MANE Select); coding-DNA position 4411, G replaced by T.
Protein change: p.Val1471Leu; replaces valine 1471 with leucine.
Molecular consequence: missense variant.
Genome position (GRCh38, 1-based): chr3:58,132,828, G>T. VCF-style: chr3-58132828-G-T. GRCh37 (hg19) VCF-style: chr3-58118555-G-T.
Other names: c.4504G>T, p.Val1502Leu (NM_001164317.2); c.4411G>T, p.Val1471Leu (NM_001164318.2, NM_001164319.2); short protein forms V1502L, V1471L.
Identifiers: ClinVar variation 1919497 (VCV001919497.5), dbSNP rs12632456, ClinGen allele CA353351208.
Genomic context (GRCh38, chr3:58,132,828, plus strand): 5'-AGGCCAGGCAGCTCCTTAAACCTCTCATCTCTGTCCTCAGGCTTGGTGGAGCCAGTGAAC[G>T]TGGTGGACAATGGAGATGGCACACACACAGTAACCTACACCCCATCTCAGGAGGGACCTT-3'
Protein context (NP_001448.2, residues 1461-1481): GPRGLVEPVN[Val1471Leu]VDNGDGTHTV

ClinVar aggregate classification (germline): Uncertain significance (1 of 4 stars; one submission).

gnomAD v4.1: 7 of 1,613,842 alleles (0.00043%); highest among the groups gnomAD compares: Admixed American, 0.0017%; no homozygotes.

Submission:

Labcorp Genetics (formerly Invitae), Labcorp
Classification: Uncertain significance. Last evaluated: 2023-03-21. Review status: criteria provided, single submitter. Criteria: Invitae Variant Classification Sherloc (09022015). Collection method: clinical testing. Allele origin: germline.
Comment: This sequence change replaces valine, which is neutral and non-polar, with leucine, which is neutral and non-polar, at codon 1471 of the FLNB protein (p.Val1471Leu). This variant is present in population databases (no rsID available, gnomAD 0.003%). This variant has not been reported in the literature in individuals affected with FLNB-related conditions. ClinVar contains an entry for this variant (Variation ID: 1919497). Advanced modeling of protein sequence and biophysical properties (such as structural, functional, and spatial information, amino acid conservation, physicochemical variation, residue mobility, and thermodynamic stability) performed at Invitae indicates that this missense variant is not expected to disrupt FLNB protein function. In summary, the available evidence is currently insufficient to determine the role of this variant in disease. Therefore, it has been classified as a Variant of Uncertain Significance.